The following is an entry in ClinVar:

NM_001365536.1(SCN9A):c.1549G>A (p.Gly517Ser)

Genes: SCN9A (sodium voltage-gated channel alpha subunit 9; minus strand), SCN1A-AS1 (SCN1A and SCN9A antisense RNA 1; plus strand). Cytogenetic location: 2q24.3.
Variant type: single nucleotide variant.
Coding change: c.1549G>A on transcript NM_001365536.1 (MANE Select); coding-DNA position 1549, G replaced by A.
Protein change: p.Gly517Ser; replaces glycine 517 with serine.
Molecular consequence: missense variant.
Genome position (GRCh38, 1-based): chr2:166,286,389, C>T on the plus strand (G>A on the coding strand, the complement: SCN9A is on the minus strand). VCF-style: chr2-166286389-C-T. GRCh37 (hg19) VCF-style: chr2-167142899-C-T.
Other names: c.1549G>A, p.Gly517Ser (NM_002977.4); short protein forms G517S.
Identifiers: ClinVar variation 471085 (VCV000471085.9), dbSNP rs200333606, ClinGen allele CA59800619.
Genomic context (GRCh38, chr2:166,286,389, plus strand): 5'-GTGGTACCTGATTGGGGGTAGACAACCTCTTTTCATGTGCTCGCCTATGCCCTTCGACAC[C>T]AAGGTGGAAACTTTTTCTTCTGATGCTGTCCTCTGATTCTGATTTCGACAATTTCTCAGC-3'
Protein context (NP_001352465.1, residues 507-527): DSIRRKSFHL[Gly517Ser]VEGHRRAHEK

ClinVar aggregate classification (germline): Uncertain significance (1 of 4 stars; one submission).

Conditions:
Neuropathy, hereditary sensory and autonomic, type 2A (HSAN2A). Also called: ACROOSTEOLYSIS, NEUROGENIC; ACROOSTEOLYSIS, GIACCAI TYPE; MORVAN DISEASE; NEUROPATHY, CONGENITAL SENSORY; NEUROPATHY, HEREDITARY SENSORY RADICULAR, AUTOSOMAL RECESSIVE; NEUROPATHY, HEREDITARY SENSORY, TYPE IIA. Identifiers: Orphanet 970, MedGen C2752089, MONDO:0024309, OMIM 201300.
Generalized epilepsy with febrile seizures plus, type 7 (GEFSP7). Also called: GEFS+, TYPE 7. Identifiers: Orphanet 36387, MedGen C2751778, MONDO:0013470, OMIM 613863.

Allele frequency attached by ClinVar (database versions not stated): gnomAD exomes below 0.00001.
gnomAD v4.1: 6 of 1,613,766 alleles (0.00037%); highest among the groups gnomAD compares: African/African-American, 0.0013%; no homozygotes.

Submission:

Labcorp Genetics (formerly Invitae), Labcorp
Classification: Uncertain significance for Neuropathy, hereditary sensory and autonomic, type 2A; Generalized epilepsy with febrile seizures plus, type 7. Last evaluated: 2018-03-16. Review status: criteria provided, single submitter. Criteria: Invitae Variant Classification Sherloc (09022015). Collection method: clinical testing. Allele origin: germline.
Comment: In summary, this variant is a novel missense change with uncertain impact on protein function. It has been classified as a Variant of Uncertain Significance. Algorithms developed to predict the effect of sequence changes on RNA splicing suggest that this variant may alter RNA splicing, but this prediction has not been confirmed by published transcriptional studies. Algorithms developed to predict the effect of missense changes on protein structure and function output the following: (SIFT: "Tolerated"; PolyPhen-2: "Benign"; Align-GVGD: "Class C0"). The serine amino acid residue is found in multiple mammalian species, suggesting that this missense change does not adversely affect protein function. These predictions have not been confirmed by published functional studies. This variant identified in the SCN9A gene is located in the interdomain linker DI/DII region of the resulting protein (PMID: 25348405). This variant is not present in population databases (ExAC no frequency) and has not been reported in the literature in individuals with a SCN9A-related disease. This sequence change replaces glycine with serine at codon 517 of the SCN9A protein (p.Gly517Ser). The glycine residue is moderately conserved and there is a small physicochemical difference between glycine and serine.

Literature cited by the submitters: PubMed 25348405.